The following is an entry in ClinVar:

ClinVar aggregate classification (germline): Uncertain significance (1 of 4 stars; one submission).

Conditions:
Developmental and epileptic encephalopathy, 23 (DEE23). Also called: Epileptic encephalopathy, early infantile, 23. Identifiers: Orphanet 411986, MedGen C4014492, MONDO:0014371, OMIM 615859.

Allele frequency attached by ClinVar (database versions not stated): gnomAD exomes 0.00005; ExAC 0.00010.
gnomAD v4.1: 71 of 1,612,980 alleles (0.0044%); highest among the groups gnomAD compares: South Asian, 0.076%; 2 homozygotes.

Submission:

Labcorp Genetics (formerly Invitae), Labcorp
Classification: Uncertain significance for Developmental and epileptic encephalopathy, 23. Last evaluated: 2024-07-05. Review status: criteria provided, single submitter. Criteria: Invitae Variant Classification Sherloc (09022015). Collection method: clinical testing. Allele origin: germline.
Comment: This sequence change replaces glycine, which is neutral and non-polar, with aspartic acid, which is acidic and polar, at codon 1496 of the DOCK7 protein (p.Gly1496Asp). This variant is present in population databases (rs751673756, gnomAD 0.07%). This variant has not been reported in the literature in individuals affected with DOCK7-related conditions. ClinVar contains an entry for this variant (Variation ID: 1928091). Advanced modeling of protein sequence and biophysical properties (such as structural, functional, and spatial information, amino acid conservation, physicochemical variation, residue mobility, and thermodynamic stability) performed at Invitae indicates that this missense variant is not expected to disrupt DOCK7 protein function with a negative predictive value of 80%. In summary, the available evidence is currently insufficient to determine the role of this variant in disease. Therefore, it has been classified as a Variant of Uncertain Significance.

NM_001367561.1(DOCK7):c.4514G>A (p.Gly1505Asp)

Gene: DOCK7 (dedicator of cytokinesis 7; minus strand). Cytogenetic location: 1p31.3.
Variant type: single nucleotide variant.
Coding change: c.4514G>A on transcript NM_001367561.1 (MANE Select); coding-DNA position 4514, G replaced by A.
Protein change: p.Gly1505Asp; replaces glycine 1505 with aspartic acid.
Molecular consequence: missense variant.
Genome position (GRCh38, 1-based): chr1:62,505,779, C>T on the plus strand (G>A on the coding strand, the complement: DOCK7 is on the minus strand). VCF-style: chr1-62505779-C-T. GRCh37 (hg19) VCF-style: chr1-62971450-C-T.
Other names: c.4487G>A, p.Gly1496Asp (NM_001271999.2, NM_001330614.2); c.4394G>A, p.Gly1465Asp (NM_001272000.2, NM_001272001.2); c.4421G>A, p.Gly1474Asp (NM_033407.4); short protein forms G1465D, G1505D, G1474D, G1496D.
Identifiers: ClinVar variation 1928091 (VCV001928091.5), dbSNP rs751673756, ClinGen allele CA885674.